The following is an entry in ClinVar:

ClinVar aggregate classification (germline): Conflicting classifications of pathogenicity. Review status: criteria provided, conflicting classifications (1 of 4 stars). 9 submissions from 9 submitters: Uncertain significance (8); Likely benign (1). Last evaluated 2026-01-20.

Conditions:
RYR1-related disorder. Also called: RYR1-related condition; RYR1-related disorders. Identifiers: MedGen CN239331.
Malignant hyperthermia, susceptibility to, 1 (MHS1). Also called: RYR1-Related Malignant Hyperthermia Susceptibility; Malignant hyperthermia suceptibility 1; Anesthesia related hyperthermia; Malignant hyperpyrexia; Fulminating hyperpyrexia; Pharmacogenic myopathy. Identifiers: Orphanet 423, MedGen C2930980, MONDO:0007783, OMIM 145600.

Allele frequency attached by ClinVar (database versions not stated): gnomAD 0.00003; TOPMed 0.00004; gnomAD exomes 0.00007 and 0.00009; ExAC 0.00015.
gnomAD v4.1: 110 of 1,607,722 alleles (0.0068%); highest among the groups gnomAD compares: Non-Finnish European, 0.0084%; no homozygotes.

Submissions (9):

Labcorp Genetics (formerly Invitae), Labcorp
Classification: Likely benign for RYR1-related disorder. Last evaluated: 2026-01-20. Review status: criteria provided, single submitter. Criteria: Invitae Variant Classification Sherloc (09022015). Collection method: clinical testing. Allele origin: germline.

PreventionGenetics, part of Exact Sciences
Classification: Uncertain significance for RYR1-related condition. Last evaluated: 2025-09-18. Review status: criteria provided, single submitter. Criteria: ACMG Guidelines, 2015. Collection method: clinical testing. Allele origin: germline.
Comment: The RYR1 c.7244G>A variant is predicted to result in the amino acid substitution p.Arg2415Gln. This variant was reported in the heterozygous state in an individual with features of a RYR1-related myopathy (Punetha et al. 2016. PubMed ID: 27854218). This variant is reported in 0.016% of alleles in individuals of European (non-Finnish) descent in gnomAD, which may be too frequent to be a primary cause of an autosomal dominant disease. At this time, the clinical significance of this variant is uncertain due to the absence of conclusive functional and genetic evidence.

GeneDx
Classification: Uncertain significance. Last evaluated: 2024-11-19. Review status: criteria provided, single submitter. Criteria: GeneDx Variant Classification Process June 2021. Collection method: clinical testing. Allele origin: germline. Affected: yes.
Comment: Reported previously as a heterozygous variant of uncertain significance in a patient with congenital fiber-type disproportion (PMID: 27854218); Reported previously as a heterozygous variant in a patient with aneurysmal subarachnoid hemorrhage without symptomatic vasospasm (PMID: 21503806); In silico analysis indicates that this missense variant does not alter protein structure/function; This variant is associated with the following publications: (PMID: 27314601, 28087430, 12668474, 27854218, 21503806)

All of Us Research Program, National Institutes of Health
Classification: Uncertain significance for Malignant hyperthermia, susceptibility to, 1. Last evaluated: 2024-05-14. Review status: criteria provided, single submitter. Criteria: ACMG Guidelines, 2015. Collection method: clinical testing. Allele origin: germline. Inheritance: Autosomal dominant inheritance. Observed: 22 variant alleles, 22 heterozygotes.
Comment: This missense variant replaces arginine with glutamine at codon 2415 of the RYR1 protein. Computational prediction is inconclusive regarding the impact of this variant on protein structure and function (internally defined REVEL score threshold 0.5 < inconclusive < 0.7, PMID: 27666373). To our knowledge, functional studies have not been reported for this variant. This variant has been reported in an individual affected with congenital myopathy (PMID: 27854218). This variant has been identified in 25/282694 chromosomes in the general population by the Genome Aggregation Database (gnomAD). Due to insufficient evidence, this variant is classified as a Variant of Uncertain Significance for autosomal dominant malignant hyperthermia.

This study involves interpretation of variants in research participants for the purpose of population health screening. Participant phenotype was not available at the time of variant classification. Additional details can be found in publication PMID: 35346344, PMCID: PMC8962531

Color Diagnostics, LLC DBA Color Health
Classification: Uncertain significance for Malignant hyperthermia, susceptibility to, 1. Last evaluated: 2024-04-18. Review status: criteria provided, single submitter. Criteria: ACMG Guidelines, 2015. Collection method: clinical testing. Allele origin: germline.
Comment: This missense variant replaces arginine with glutamine at codon 2415 of the RYR1 protein. Computational prediction is inconclusive regarding the impact of this variant on protein structure and function. To our knowledge, functional studies have not been reported for this variant. This variant has been reported in an individual affected with congenital myopathy (PMID: 27854218). This variant has been identified in 25/282694 chromosomes in the general population by the Genome Aggregation Database (gnomAD). Due to insufficient evidence, this variant is classified as a Variant of Uncertain Significance for autosomal dominant malignant hyperthermia.

Revvity Omics, Revvity
Classification: Uncertain significance. Last evaluated: 2024-03-22. Review status: criteria provided, single submitter. Criteria: ACMG Guidelines, 2015. Collection method: clinical testing. Allele origin: germline.

CeGaT Center for Human Genetics Tuebingen
Classification: Uncertain significance. Last evaluated: 2024-03-01. Review status: criteria provided, single submitter. Criteria: CeGaT Center For Human Genetics Tuebingen Variant Classification Criteria Version 2. Collection method: clinical testing. Allele origin: germline. Affected: yes. Observed: 2 variant alleles.
Comment: RYR1: PM2

Blueprint Genetics
Classification: Uncertain significance. Last evaluated: 2023-02-10. Review status: criteria provided, single submitter. Criteria: ACMG Guidelines, 2015. Collection method: clinical testing. Allele origin: germline.

Center for Genetic Medicine Research, Children's National Medical Center
Classification: Uncertain significance. Last evaluated: 2015-12-01. Review status: criteria provided, single submitter. Criteria: Punetha et al. (J Neuromuscul Dis. 2016). Collection method: research. Allele origin: unknown.

Literature cited by the submitters: PubMed 27854218 (cited by All of Us Research Program, National Institutes of Health and Color Diagnostics, LLC DBA Color Health).

NM_000540.3(RYR1):c.7244G>A (p.Arg2415Gln)

Gene: RYR1 (ryanodine receptor 1; plus strand). Cytogenetic location: 19q13.2.
Variant type: single nucleotide variant.
Coding change: c.7244G>A on transcript NM_000540.3 (MANE Select); coding-DNA position 7244, G replaced by A.
Protein change: p.Arg2415Gln; replaces arginine 2415 with glutamine.
Molecular consequence: missense variant.
Genome position (GRCh38, 1-based): chr19:38,499,937, G>A. VCF-style: chr19-38499937-G-A. GRCh37 (hg19) VCF-style: chr19-38990577-G-A.
Other names: c.7244G>A, p.Arg2415Gln (NM_001042723.2); short protein forms R2415Q.
Identifiers: ClinVar variation 224694 (VCV000224694.63), dbSNP rs201584482, ClinGen allele CA069343.